The following is an entry in ClinVar:

ClinVar aggregate classification (germline): Uncertain significance (1 of 4 stars; one submission).

Submission:

Labcorp Genetics (formerly Invitae), Labcorp
Classification: Uncertain significance. Last evaluated: 2024-08-08. Review status: criteria provided, single submitter. Criteria: Invitae Variant Classification Sherloc (09022015). Collection method: clinical testing. Allele origin: germline.
Comment: This sequence change replaces threonine, which is neutral and polar, with arginine, which is basic and polar, at codon 1471 of the TTC37 protein (p.Thr1471Arg). This variant is not present in population databases (gnomAD no frequency). This variant has not been reported in the literature in individuals affected with TTC37-related conditions. An algorithm developed to predict the effect of missense changes on protein structure and function (PolyPhen-2) suggests that this variant is likely to be disruptive. In summary, the available evidence is currently insufficient to determine the role of this variant in disease. Therefore, it has been classified as a Variant of Uncertain Significance.

NM_014639.4(SKIC3):c.4412C>G (p.Thr1471Arg)

Gene: SKIC3 (SKI3 subunit of superkiller complex; minus strand). Cytogenetic location: 5q15.
Variant type: single nucleotide variant.
Coding change: c.4412C>G on transcript NM_014639.4 (MANE Select); coding-DNA position 4412, C replaced by G.
Protein change: p.Thr1471Arg; replaces threonine 1471 with arginine.
Molecular consequence: missense variant.
Genome position (GRCh38, 1-based): chr5:95,469,864, G>C on the plus strand (C>G on the coding strand, the complement: SKIC3 is on the minus strand). VCF-style: chr5-95469864-G-C. GRCh37 (hg19) VCF-style: chr5-94805568-G-C.
Other names: short protein forms T1471R.
Identifiers: ClinVar variation 3647349 (VCV003647349.2).